The following is an entry in ClinVar:

NM_000814.6(GABRB3):c.34A>G (p.Ile12Val)

Gene: GABRB3 (gamma-aminobutyric acid type A receptor subunit beta3; minus strand). Cytogenetic location: 15q12.
Variant type: single nucleotide variant.
Coding change: c.34A>G on transcript NM_000814.6 (MANE Select); coding-DNA position 34, A replaced by G.
Protein change: p.Ile12Val; replaces isoleucine 12 with valine.
Molecular consequence: missense variant. On other transcripts: 5 prime UTR variant (1), intron variant (1).
Genome position (GRCh38, 1-based): chr15:26,772,929, T>C on the plus strand (A>G on the coding strand, the complement: GABRB3 is on the minus strand). VCF-style: chr15-26772929-T-C. GRCh37 (hg19) VCF-style: chr15-27018076-T-C.
Other names: c.-318A>G (NM_001278631.2); c.81-157A>G (NM_021912.5); short protein forms I12V.
Identifiers: ClinVar variation 1023611 (VCV001023611.5), dbSNP rs1451852360, ClinGen allele CA391465646.

ClinVar aggregate classification (germline): Uncertain significance (1 of 4 stars; one submission).

Conditions:
Epilepsy, childhood absence, susceptibility to, 5. Identifiers: Orphanet 64280, MedGen C2677087, MONDO:0012843, OMIM 612269.
Epilepsy, childhood absence, susceptibility to, 1. Also called: Epilepsy, childhood absence 1. Identifiers: Orphanet 64280, MedGen C1838604, MONDO:0020759, OMIM 600131.

Allele frequency attached by ClinVar (database versions not stated): gnomAD exomes below 0.00001 and 0.00001; TOPMed 0.00001; gnomAD 0.00001.
gnomAD v4.1: 3 of 1,491,046 alleles (0.0002%); highest among the groups gnomAD compares: Non-Finnish European, 0.00027%; no homozygotes.

Submission:

Labcorp Genetics (formerly Invitae), Labcorp
Classification: Uncertain significance for Epilepsy, childhood absence, susceptibility to, 5; Epilepsy, childhood absence, susceptibility to, 1. Last evaluated: 2025-08-10. Review status: criteria provided, single submitter. Criteria: Invitae Variant Classification Sherloc (09022015). Collection method: clinical testing. Allele origin: germline.
Comment: This sequence change replaces isoleucine, which is neutral and non-polar, with valine, which is neutral and non-polar, at codon 12 of the GABRB3 protein (p.Ile12Val). The frequency data for this variant in the population databases is considered unreliable, as metrics indicate poor data quality at this position in the gnomAD database. This variant has not been reported in the literature in individuals affected with GABRB3-related conditions. ClinVar contains an entry for this variant (Variation ID: 1023611). Invitae Evidence Modeling of protein sequence and biophysical properties (such as structural, functional, and spatial information, amino acid conservation, physicochemical variation, residue mobility, and thermodynamic stability) indicates that this missense variant is not expected to disrupt GABRB3 protein function with a negative predictive value of 95%. In summary, the available evidence is currently insufficient to determine the role of this variant in disease. Therefore, it has been classified as a Variant of Uncertain Significance.